The following is an entry in ClinVar:

ClinVar aggregate classification (germline): Benign (1 of 4 stars; one submission).

Conditions:
Triosephosphate isomerase deficiency (TPID). Also called: Triose phosphate isomerase deficiency. Identifiers: Orphanet 868, MedGen C1860808, MONDO:0014221, OMIM 615512.

Allele frequency attached by ClinVar (database versions not stated): gnomAD 0.00031 and 0.00072; TOPMed 0.00042; 1000 Genomes Project 0.00100; 1000 Genomes Project 30x 0.00125; gnomAD exomes 0.00280 and 0.00283; ExAC 0.00784.

Submission:

Illumina Laboratory Services, Illumina
Classification: Benign for Triosephosphate isomerase deficiency. Last evaluated: 2018-01-12. Review status: criteria provided, single submitter. Criteria: ICSL Variant Classification Criteria 13 December 2019. Collection method: clinical testing. Allele origin: germline.
Comment: This variant was observed in the ICSL laboratory as part of a predisposition screen in an ostensibly healthy population. It had not been previously curated by ICSL or reported in the Human Gene Mutation Database (HGMD: prior to June 1st, 2018), and was therefore a candidate for classification through an automated scoring system. Utilizing variant allele frequency, disease prevalence and penetrance estimates, and inheritance mode, an automated score was calculated to assess if this variant is too frequent to cause the disease. Based on the score and internal cut-off values, a variant classified as benign is not then subjected to further curation. The score for this variant resulted in a classification of benign for this disease.

NM_000365.6(TPI1):c.*388C>T

Gene: TPI1 (triosephosphate isomerase 1; plus strand). Cytogenetic location: 12p13.31.
Variant type: single nucleotide variant.
Coding change: c.*388C>T on transcript NM_000365.6 (MANE Select); 388 bases downstream of the stop codon, C replaced by T.
Molecular consequence: 3 prime UTR variant.
Genome position (GRCh38, 1-based): chr12:6,870,771, C>T. VCF-style: chr12-6870771-C-T. GRCh37 (hg19) VCF-style: chr12-6979935-C-T.
Other names: c.*388C>T (NM_001159287.1, NM_001258026.2).
Identifiers: ClinVar variation 883798 (VCV000883798.4), dbSNP rs540279409, ClinGen allele CA6419125.